The following is an entry in ClinVar:

ClinVar aggregate classification (germline): Uncertain significance (1 of 4 stars; one submission).

Conditions:
Lymphatic malformation 4 (LMPHM4). Also called: Lymphedema, hereditary, ID. Identifiers: Orphanet 79452, MedGen C4747769, MONDO:0014393, OMIM 615907.

Submission:

Dasa
Classification: Uncertain significance for Lymphatic malformation 4. Last evaluated: 2025-06-17. Review status: criteria provided, single submitter. Criteria: DASA Assertion Criteria. Collection method: clinical testing. Allele origin: germline.
Comment: NM_005429.5(VEGFC):c.281G>C (p.Arg94Thr) is a missense variant that results in the substitution of arginine with threonine. This variant is absent from population databases. Computational prediction algorithms are consistent with a benign effect. The currently available literature and clinical evidence are not sufficient to establish a definitive association between this variant and the reported condition. Therefore, this variant is classified as a variant of uncertain significance.

NM_005429.5(VEGFC):c.281G>C (p.Arg94Thr)

Gene: VEGFC (vascular endothelial growth factor C; minus strand). Cytogenetic location: 4q34.3.
Variant type: single nucleotide variant.
Coding change: c.281G>C on transcript NM_005429.5 (MANE Select); coding-DNA position 281, G replaced by C.
Protein change: p.Arg94Thr; replaces arginine 94 with threonine.
Molecular consequence: missense variant.
Genome position (GRCh38, 1-based): chr4:176,729,613, C>G on the plus strand (G>C on the coding strand, the complement: VEGFC is on the minus strand). VCF-style: chr4-176729613-C-G. GRCh37 (hg19) VCF-style: chr4-177650767-C-G.
Other names: short protein forms R94T.
Identifiers: ClinVar variation 4880935 (VCV004880935.2).